The following is an entry in ClinVar:

ClinVar aggregate classification (germline): Likely benign. Review status: criteria provided, single submitter (1 of 4 stars). 2 submissions from 2 submitters: Likely benign (1). 1 of the submissions does not count toward it. Last evaluated 2025-07-13.

Conditions:
VPS13B-related disorder. Also called: VPS13B-related condition.
Cohen syndrome (COH1). Also called: PEPPER SYNDROME; Cutis verticis gyrata, retinitis pigmentosa, and sensorineural deafness. Identifiers: Orphanet 193, MedGen C0265223, MONDO:0008999, OMIM 216550.

Submissions (2):

Labcorp Genetics (formerly Invitae), Labcorp
Classification: Likely benign for Cohen syndrome. Last evaluated: 2025-07-13. Review status: criteria provided, single submitter. Criteria: Invitae Variant Classification Sherloc (09022015). Collection method: clinical testing. Allele origin: germline.

PreventionGenetics, part of Exact Sciences
Classification: Likely benign for VPS13B-related condition. Last evaluated: 2024-06-27. Review status: no assertion criteria provided. Collection method: clinical testing. Allele origin: germline. Not counted in ClinVar's aggregate classification.
Comment: This variant is classified as likely benign based on ACMG/AMP sequence variant interpretation guidelines (Richards et al. 2015 PMID: 25741868, with internal and published modifications).

NM_152564.5(VPS13B):c.8446-10_8446-6del

Gene: VPS13B (vacuolar protein sorting 13 homolog B; plus strand). Cytogenetic location: 8q22.2.
Variant type: Deletion.
Coding change: c.8446-10_8446-6del on transcript NM_152564.5 (MANE Select); 10 bases into the intron before coding-DNA position 8446 through 6 bases into the intron before coding-DNA position 8446, 5 bases deleted (ATTTT; older notation c.8446-10_8446-6delATTTT).
Molecular consequence: intron variant.
Genome position (GRCh38, 1-based): chr8:99,818,703-99,818,707, ATTTT deleted; deleting any 5 consecutive bases within chr8:99,818,699-99,818,707 gives the same sequence; the c. name uses the placement nearest the transcript's 3' end. VCF-style (leftmost placement, unchanged base first): chr8-99818698-CTTTTA-C. GRCh37 (hg19) VCF-style: chr8-100830926-CTTTTA-C.
Other names: c.8521-10_8521-6del (NM_017890.5); c.8446-10_8446-6del5 (NM_152564.4).
Identifiers: ClinVar variation 1135443 (VCV001135443.10), dbSNP rs773159446, ClinGen allele CA4824473.